The following is an entry in ClinVar:

ClinVar aggregate classification (germline): Uncertain significance. Review status: reviewed by expert panel (3 of 4 stars). 2 submissions from 2 submitters: Uncertain significance (1). 1 of the submissions does not count toward it. Last evaluated 2025-10-28.

Conditions:
Monogenic diabetes. Identifiers: Orphanet 183625, MedGen C3888631, MONDO:0015967.

Submissions (2):

ClinGen Monogenic Diabetes Variant Curation Expert Panel
Classification: Uncertain significance for Monogenic diabetes. Last evaluated: 2025-10-28. Review status: reviewed by expert panel. Criteria: ClinGen Diabetes ACMG Specifications HNF4A V4.0.0. Collection method: curation. Allele origin: germline. Inheritance: Semidominant inheritance.
Comment: The c.583G>A variant in the hepatocyte nuclear factor 4-alpha gene, HNF4A, causes an amino acid change of valine to methionine at codon 195 (p.(Val195Met)) of NM_175914.5. This variant is absent from gnomAD v4.1.0 (PM2_Supporting). This variant is predicted to be deleterious by computational evidence, with a REVEL score of 0.819, which is greater than the MDEP VCEP threshold of 0.70 (PP3). This variant is located within the ligand-binding domain (codons 180-220) of HNF4A, which is defined as critical for the protein’s function by the ClinGen MDEP (PM1_Supporting). This variant was identified in an individual with diabetes; however, the MODY probability is unable to be calculated due to age of diagnosis over 35 and so PP4 cannot be applied (internal lab contributors). This variant was identified in two unrelated individuals with non-autoimmune and non-absolute/near-absolute insulin-deficient diabetes; however, PS4_Moderate cannot be applied because this number is below the ClinGen MDEP threshold (Internal lab contributors). In summary, c.583G>A meets the criteria to be classified as a variant of uncertain significance for monogenic diabetes. ACMG/AMP criteria applied, as specified by the ClinGen MDEP (specification version 4.0.0, approved 10/10/2025): PM1_Supporting, PM2_Supporting, PP3.

Centre for Clinical Genetics and Genomic Diagnostics, Zealand University Hospital
Classification: Uncertain significance. Last evaluated: 2024-07-31. Review status: criteria provided, single submitter. Criteria: ACMG Guidelines, 2015. Collection method: clinical testing. Allele origin: germline. Affected: yes. Not counted in ClinVar's aggregate classification.

NM_175914.5(HNF4A):c.583G>A (p.Val195Met)

Gene: HNF4A (hepatocyte nuclear factor 4 alpha; plus strand). Cytogenetic location: 20q13.12.
Variant type: single nucleotide variant.
Coding change: c.583G>A on transcript NM_175914.5 (MANE Select); coding-DNA position 583, G replaced by A.
Protein change: p.Val195Met; replaces valine 195 with methionine.
Molecular consequence: missense variant.
Genome position (GRCh38, 1-based): chr20:44,418,425, G>A. VCF-style: chr20-44418425-G-A. GRCh37 (hg19) VCF-style: chr20-43047065-G-A.
Other names: NM_175914.5(HNF4A):c.583G>A; p.Val195Met; c.649G>A, p.Val217Met (NM_000457.6, NM_178849.3, NM_178850.3); c.583G>A, p.Val195Met (NM_001030003.3, NM_001030004.3); c.628G>A, p.Val210Met (NM_001258355.2); c.574G>A, p.Val192Met (NM_001287182.2, NM_001287183.2, NM_001287184.2); short protein forms V192M, V195M, V210M, V217M.
Identifiers: ClinVar variation 3341140 (VCV003341140.2).